The following is an entry in ClinVar:

ClinVar aggregate classification (germline): Uncertain significance (1 of 4 stars; one submission).

Conditions:
Gastrointestinal stromal tumor. Also called: Gastrointestinal stroma tumor; Gastrointestinal stromal tumor, somatic. Identifiers: Orphanet 44890, MedGen C0238198, MeSH D046152, MONDO:0011719, OMIM 606764, HP:0100723.

Submission:

Labcorp Genetics (formerly Invitae), Labcorp
Classification: Uncertain significance for Gastrointestinal stromal tumor. Last evaluated: 2019-12-07. Review status: criteria provided, single submitter. Criteria: Invitae Variant Classification Sherloc (09022015). Collection method: clinical testing. Allele origin: germline.
Comment: In summary, the available evidence is currently insufficient to determine the role of this variant in disease. Therefore, it has been classified as a Variant of Uncertain Significance. The current clinical and genetic evidence is not sufficient to establish whether loss-of-function variants in PDGFRA cause disease. This variant has not been reported in the literature in individuals with PDGFRA-related disease. This variant is not present in population databases (ExAC no frequency). This sequence change creates a premature translational stop signal (p.Thr526Asnfs*31) in the PDGFRA gene. It is expected to result in an absent or disrupted protein product.

NM_006206.6(PDGFRA):c.1576dup (p.Thr526fs)

Gene: PDGFRA (platelet derived growth factor receptor alpha; plus strand). Cytogenetic location: 4q12.
Variant type: Duplication.
Coding change: c.1576dup on transcript NM_006206.6 (MANE Select); coding-DNA position 1576, one base duplicated (A; older notation c.1576dupA).
Protein change: p.Thr526fs; shifts the reading frame from threonine 526.
Molecular consequence: frameshift variant.
Genome position (GRCh38, 1-based): chr4:54,274,548, A duplicated. VCF-style (leftmost placement, unchanged base first): chr4-54274547-C-CA. GRCh37 (hg19) VCF-style: chr4-55140714-C-CA.
Other names: c.1576dup, p.Thr526fs (NM_001347827.2, NM_001347829.2); c.1651dup, p.Thr551fs (NM_001347828.2); c.1615dup, p.Thr539fs (NM_001347830.2); c.1576dupA (NM_006206.4); short protein forms T539fs, T526fs, T551fs.
Identifiers: ClinVar variation 528527 (VCV000528527.9), dbSNP rs1553904349, ClinGen allele CA658796433.
Genomic context (GRCh38, chr4:54,274,547, plus strand): 5'-CTGCCAGGAAACTTTTCATTGTGCCTCTCTCTCTTGTCACGTAGCCCTGCGTTCTGAACT[C>CA]ACGGTGGCTGCTGCAGTCCTGGTGCTGTTGGTGATTGTGATCATCTCACTTATTGTCCTG-3'